The following is an entry in ClinVar:

ClinVar aggregate classification (germline): Likely benign. Review status: criteria provided, multiple submitters, no conflicts (2 of 4 stars). 2 submissions from 2 submitters: Likely benign (2). Last evaluated 2025-02-13.

Conditions:
ZCCHC8-related disorder. Also called: ZCCHC8-related condition.

Allele frequency attached by ClinVar (database versions not stated): gnomAD 0.00001; gnomAD exomes 0.00002 and 0.00009; TOPMed 0.00003; ExAC 0.00005; 1000 Genomes Project 0.00020; 1000 Genomes Project 30x 0.00047.
gnomAD v4.1: 27 of 1,594,082 alleles (0.0017%); highest among the groups gnomAD compares: Admixed American, 0.036%; 1 homozygote.

Submissions (2):

PreventionGenetics, part of Exact Sciences
Classification: Likely benign for ZCCHC8-related condition. Last evaluated: 2025-02-13. Review status: criteria provided, single submitter. Criteria: ACMG Guidelines, 2015. Collection method: clinical testing. Allele origin: germline.
Comment: This variant is classified as likely benign based on ACMG/AMP sequence variant interpretation guidelines (Richards et al. 2015 PMID: 25741868, with internal and published modifications).

Labcorp Genetics (formerly Invitae), Labcorp
Classification: Likely benign. Last evaluated: 2024-09-01. Review status: criteria provided, single submitter. Criteria: Invitae Variant Classification Sherloc (09022015). Collection method: clinical testing. Allele origin: germline.

NM_017612.5(ZCCHC8):c.733-4G>A

Gene: ZCCHC8 (zinc finger CCHC-type containing 8; minus strand). Cytogenetic location: 12q24.31.
Variant type: single nucleotide variant.
Coding change: c.733-4G>A on transcript NM_017612.5 (MANE Select); 4 bases into the intron before coding-DNA position 733, G replaced by A.
Molecular consequence: intron variant.
Genome position (GRCh38, 1-based): chr12:122,482,091, C>T on the plus strand (G>A on the coding strand, the complement: ZCCHC8 is on the minus strand). VCF-style: chr12-122482091-C-T. GRCh37 (hg19) VCF-style: chr12-122966638-C-T.
Other names: c.733-4G>A (NM_017612.4); c.19-4G>A (NM_001350938.2, NM_001350937.2); c.502-4G>A (NM_001350935.2); c.436-4G>A (NM_001350936.2).
Identifiers: ClinVar variation 1596200 (VCV001596200.9), dbSNP rs190395818, ClinGen allele CA6846373.
Genomic context (GRCh38, chr12:122,482,091, plus strand): 5'-TCCACAGGCATCCATATACTCTTTTCTCTTTTCACTTATTCGAGCAGCATTCCGAGGCTA[C>T]ATCATGACACATTTGAAAAGAATGGTTTCATGCAACTCAGAAATATTTCAGAAATTAAAT-3'